The following is an entry in ClinVar:

ClinVar aggregate classification (germline): Likely pathogenic (1 of 4 stars; one submission).

Conditions:
Autoimmune lymphoproliferative syndrome type 2B. Also called: AUTOIMMUNE LYMPHOPROLIFERATIVE SYNDROME, TYPE IIB. Identifiers: Orphanet 275517, MedGen C1846545, MONDO:0011804, OMIM 607271.

Allele frequency attached by ClinVar (database versions not stated): gnomAD 0.00002; gnomAD exomes 0.00002 and 0.00004; TOPMed 0.00002; ExAC 0.00003; ESP Exome Variant Server 0.00008.
gnomAD v4.1: 59 of 1,606,142 alleles (0.0037%); highest among the groups gnomAD compares: East Asian, 0.0067%; no homozygotes.

Submission:

Labcorp Genetics (formerly Invitae), Labcorp
Classification: Likely pathogenic for Autoimmune lymphoproliferative syndrome type 2B. Last evaluated: 2025-07-02. Review status: criteria provided, single submitter. Criteria: Invitae Variant Classification Sherloc (09022015). Collection method: clinical testing. Allele origin: germline.
Comment: This sequence change affects a donor splice site in intron 4 of the CASP8 gene. It is expected to disrupt RNA splicing. Variants that disrupt the donor or acceptor splice site typically lead to a loss of protein function (PMID: 16199547), and loss-of-function variants in CASP8 are known to be pathogenic (PMID: 12353035, 25814141). This variant is present in population databases (rs373232880, gnomAD 0.02%). This variant has not been reported in the literature in individuals affected with CASP8-related conditions. ClinVar contains an entry for this variant (Variation ID: 1068184). In summary, the currently available evidence indicates that the variant is pathogenic, but additional data are needed to prove that conclusively. Therefore, this variant has been classified as Likely Pathogenic.

Literature cited by the submitters: PubMed 16199547; PubMed 12353035; PubMed 25814141.

NM_001372051.1(CASP8):c.306-1910G>A

Gene: CASP8 (caspase 8; plus strand). Cytogenetic location: 2q33.1.
Variant type: single nucleotide variant.
Coding change: c.306-1910G>A on transcript NM_001372051.1 (MANE Select); 1910 bases into the intron before coding-DNA position 306, G replaced by A.
Molecular consequence: intron variant. On other transcripts: splice donor variant (1).
Genome position (GRCh38, 1-based): chr2:201,269,606, G>A. VCF-style: chr2-201269606-G-A. GRCh37 (hg19) VCF-style: chr2-202134329-G-A.
Other names: c.401+1G>A (NM_001228.5); c.306-1910G>A (NM_001400651.1, NM_001400663.1, NM_001400657.1 and 20 more transcripts); c.-227-1910G>A (NM_001400677.1, NM_001400750.1, NM_001400751.1 and 6 more transcripts); c.-4-1910G>A (NM_001400669.1); c.-306-1910G>A (NM_001400680.1); c.483-1910G>A (NM_001080125.2, NM_001400642.1, NM_001400665.1); c.-408-1910G>A (NM_001400674.1).
Identifiers: ClinVar variation 1068184 (VCV001068184.34), dbSNP rs373232880, ClinGen allele CA2053517.